The following is an entry in ClinVar:

ClinVar aggregate classification (germline): Uncertain significance (1 of 4 stars; one submission).

Allele frequency attached by ClinVar (database versions not stated): gnomAD 0.00002; TOPMed 0.00002.
gnomAD v4.1: 52 of 1,601,974 alleles (0.0032%); highest among the groups gnomAD compares: Non-Finnish European, 0.0043%; no homozygotes.

Submission:

Labcorp Genetics (formerly Invitae), Labcorp
Classification: Uncertain significance. Last evaluated: 2023-07-09. Review status: criteria provided, single submitter. Criteria: Invitae Variant Classification Sherloc (09022015). Collection method: clinical testing. Allele origin: germline.
Comment: In summary, the available evidence is currently insufficient to determine the role of this variant in disease. Therefore, it has been classified as a Variant of Uncertain Significance. Experimental studies and prediction algorithms are not available or were not evaluated, and the functional significance of this variant is currently unknown. ClinVar contains an entry for this variant (Variation ID: 2172528). This variant has not been reported in the literature in individuals affected with BRD4-related conditions. This variant is present in population databases (no rsID available, gnomAD 0.002%). This sequence change replaces proline, which is neutral and non-polar, with arginine, which is basic and polar, at codon 7 of the BRD4 protein (p.Pro7Arg).

NM_001379291.1(BRD4):c.20C>G (p.Pro7Arg)

Gene: BRD4 (bromodomain containing 4; minus strand). Cytogenetic location: 19p13.12.
Variant type: single nucleotide variant.
Coding change: c.20C>G on transcript NM_001379291.1 (MANE Select); coding-DNA position 20, C replaced by G.
Protein change: p.Pro7Arg; replaces proline 7 with arginine.
Molecular consequence: missense variant.
Genome position (GRCh38, 1-based): chr19:15,273,080, G>C on the plus strand (C>G on the coding strand, the complement: BRD4 is on the minus strand). VCF-style: chr19-15273080-G-C. GRCh37 (hg19) VCF-style: chr19-15383891-G-C.
Other names: c.20C>G, p.Pro7Arg (NM_001330384.2, NM_001379292.1, NM_014299.3 and 1 more transcripts); short protein forms P7R.
Identifiers: ClinVar variation 2172528 (VCV002172528.4), dbSNP rs1415180178, ClinGen allele CA404490392.